The following is an entry in ClinVar:

NM_006579.3(EBP):c.237C>G (p.Ile79Met)

Gene: EBP (EBP cholestenol delta-isomerase; plus strand). Cytogenetic location: Xp11.23.
Variant type: single nucleotide variant.
Coding change: c.237C>G on transcript NM_006579.3 (MANE Select); coding-DNA position 237, C replaced by G.
Protein change: p.Ile79Met; replaces isoleucine 79 with methionine.
Molecular consequence: missense variant.
Genome position (GRCh38, 1-based): chrX:48,524,008, C>G. VCF-style: chrX-48524008-C-G. GRCh37 (hg19) VCF-style: chrX-48382396-C-G.
Other names: short protein forms I79M.
Identifiers: ClinVar variation 4885558 (VCV004885558.2).

ClinVar aggregate classification (germline): Uncertain significance (1 of 4 stars; one submission).

gnomAD v4.1: 1 of 1,211,076 alleles (0.000083%); highest among the groups gnomAD compares: South Asian, 0.0018%; no homozygotes.

Submission:

Dasa
Classification: Uncertain significance. Last evaluated: 2026-01-12. Review status: criteria provided, single submitter. Criteria: DASA Assertion Criteria. Collection method: clinical testing. Allele origin: germline.
Comment: NM_006579.3(EBP):c.237C>G (p.Ile79Met) is a missense variant that results in the substitution of isoleucine with methionine. This variant is rare in population databases. Computational prediction algorithms are consistent with a deleterious effect. The currently available literature and clinical evidence are not sufficient to establish a definitive association between this variant and the reported condition. Therefore, this variant is classified as a variant of uncertain significance.